The following is an entry in ClinVar:

ClinVar aggregate classification (germline): Benign. Review status: criteria provided, multiple submitters, no conflicts (2 of 4 stars). 4 submissions from 4 submitters: Benign (4). Last evaluated 2023-11-14.

Conditions:
Familial hemophagocytic lymphohistiocytosis 2 (FHL2). Also called: PRF1-Related Familial Hemophagocytic Lymphohistiocytosis (PRF1-fHLH). Identifiers: Orphanet 540, MedGen C1863727, MONDO:0011337, OMIM 603553.

Allele frequency attached by ClinVar (database versions not stated): gnomAD exomes 0.42408; gnomAD 0.51082 and 0.51193; TOPMed 0.53296; 1000 Genomes Project 0.57788; 1000 Genomes Project 30x 0.58104.
gnomAD v4.1: 658,868 of 1,519,626 alleles (43%); highest among the groups gnomAD compares: African/African-American, 74%; 148,841 homozygotes.

Submissions (4):

Unidad de Genómica Garrahan, Hospital de Pediatría Garrahan
Classification: Benign. Last evaluated: 2023-11-14. Review status: criteria provided, single submitter. Criteria: ACMG Guidelines, 2015. Collection method: clinical testing. Allele origin: germline. Affected: no. Observed: 42 variant alleles.
Comment: This variant is classified as Benign based on local population frequency. This variant was detected in 44% of patients studied by a panel of primary immunodeficiencies. Number of patients: 42. Only high quality variants are reported.

GeneDx
Classification: Benign. Last evaluated: 2018-11-12. Review status: criteria provided, single submitter. Criteria: GeneDx Variant Classification Process June 2021. Collection method: clinical testing. Allele origin: germline. Affected: yes.

Illumina Laboratory Services, Illumina
Classification: Benign for Familial hemophagocytic lymphohistiocytosis 2. Last evaluated: 2018-01-13. Review status: criteria provided, single submitter. Criteria: ICSL Variant Classification Criteria 13 December 2019. Collection method: clinical testing. Allele origin: germline.
Comment: This variant was observed in the ICSL laboratory as part of a predisposition screen in an ostensibly healthy population. It had not been previously curated by ICSL or reported in the Human Gene Mutation Database (HGMD: prior to June 1st, 2018), and was therefore a candidate for classification through an automated scoring system. Utilizing variant allele frequency, disease prevalence and penetrance estimates, and inheritance mode, an automated score was calculated to assess if this variant is too frequent to cause the disease. Based on the score and internal cut-off values, a variant classified as benign is not then subjected to further curation. The score for this variant resulted in a classification of benign for this disease.

Breakthrough Genomics
Classification: Benign. Review status: criteria provided, single submitter. Criteria: ACMG Guidelines, 2015. Collection method: not provided. Allele origin: germline. Inheritance: Autosomal recessive inheritance. Affected: yes.

NM_001083116.3(PRF1):c.*96G>A

Gene: PRF1 (perforin 1; minus strand). Cytogenetic location: 10q22.1.
Variant type: single nucleotide variant.
Coding change: c.*96G>A on transcript NM_001083116.3 (MANE Select); 96 bases downstream of the stop codon, G replaced by A.
Molecular consequence: 3 prime UTR variant.
Genome position (GRCh38, 1-based): chr10:70,597,957, C>T on the plus strand (G>A on the coding strand, the complement: PRF1 is on the minus strand). VCF-style: chr10-70597957-C-T. GRCh37 (hg19) VCF-style: chr10-72357713-C-T.
Other names: c.*96G>A (NM_005041.6).
Identifiers: ClinVar variation 300324 (VCV000300324.9), dbSNP rs1889490, ClinGen allele CA10631966.